The following is an entry in ClinVar:

NM_172107.4(KCNQ2):c.821C>T (p.Thr274Met)

Gene: KCNQ2 (potassium voltage-gated channel subfamily Q member 2; minus strand). Cytogenetic location: 20q13.33.
Variant type: single nucleotide variant.
Coding change: c.821C>T on transcript NM_172107.4 (MANE Select); coding-DNA position 821, C replaced by T.
Protein change: p.Thr274Met; replaces threonine 274 with methionine.
Molecular consequence: missense variant.
Genome position (GRCh38, 1-based): chr20:63,439,704, G>A on the plus strand (C>T on the coding strand, the complement: KCNQ2 is on the minus strand). VCF-style: chr20-63439704-G-A. GRCh37 (hg19) VCF-style: chr20-62071057-G-A.
Other names: p.T274M:ACG>ATG; NP_742105.1:p.(Thr274Met); c.821C>T, p.Thr274Met (NM_004518.6, NM_172106.3, NM_172108.5 and 1 more transcripts); c.821C>T (NM_001382235.1); short protein forms T274M.
Identifiers: ClinVar variation 167208 (VCV000167208.66), dbSNP rs727503974, ClinGen allele CA278569.

ClinVar aggregate classification (germline): Pathogenic/Likely pathogenic. Review status: criteria provided, multiple submitters, no conflicts (2 of 4 stars). 17 submissions from 16 submitters: Pathogenic (12); Likely pathogenic (1). 4 of the submissions do not count toward it. Last evaluated 2024-11-07.

Conditions:
Early-infantile DEE. Also called: Early infantile epileptic encephalopathy; Ohtahara syndrome; Early infantile epileptic encephalopathy with suppression bursts. Identifiers: Orphanet 1934, MedGen C0393706, MONDO:0800491.
KCNQ2-Related Disorders. Also called: KCNQ2-related condition; KCNQ2-related disorder. Identifiers: MedGen CN169299.
West syndrome. Also called: Infantile epileptic spasms syndrome. Identifiers: Orphanet 3451, Orphanet 697160, MedGen C0037769, MONDO:0018097. Disease mechanism: loss of function.
Developmental and epileptic encephalopathy, 7 (DEE7). Also called: KCNQ2-Related Neonatal-Onset Developmental and Epileptic Encephalopathy (NEO-DEE); KCNQ2-Related Neonatal Epileptic Encephalopathy; Early infantile epileptic encephalopathy 7. Identifiers: Orphanet 439218, MedGen C3150986, MONDO:0013387, OMIM 613720.
Seizures, benign familial neonatal, 1. Also called: KCNQ2-Related Self-Limited Familial Neonatal Epilepsy (SLFNE); KCNQ2-Related Benign Familial Neonatal Epilepsy; Benign Neonatal Epilepsy 1; Seizures, benign neonatal, 1. Identifiers: Orphanet 1949, MedGen C3149074, MONDO:0007365, OMIM 121200.

Submissions 1 to 15 of 23:

Labcorp Genetics (formerly Invitae), Labcorp
Classification: Pathogenic for Early-infantile DEE. Last evaluated: 2024-11-07. Review status: criteria provided, single submitter. Criteria: Invitae Variant Classification Sherloc (09022015). Collection method: clinical testing. Allele origin: germline.
Comment: This sequence change replaces threonine, which is neutral and polar, with methionine, which is neutral and non-polar, at codon 274 of the KCNQ2 protein (p.Thr274Met). This variant is not present in population databases (gnomAD no frequency). This missense change has been observed in individual(s) with early infantile epileptic encephalopathy (PMID: 22275249, 27535030, 27779742, 28133863). In at least one individual the variant was observed to be de novo. ClinVar contains an entry for this variant (Variation ID: 167208). Invitae Evidence Modeling of protein sequence and biophysical properties (such as structural, functional, and spatial information, amino acid conservation, physicochemical variation, residue mobility, and thermodynamic stability) indicates that this missense variant is expected to disrupt KCNQ2 protein function with a positive predictive value of 95%. Experimental studies have shown that this missense change affects KCNQ2 function (PMID: 24318194). For these reasons, this variant has been classified as Pathogenic.

Unidad de Genómica Garrahan, Hospital de Pediatría Garrahan
Classification: Likely pathogenic for West syndrome. Last evaluated: 2023-12-15. Review status: criteria provided, single submitter. Criteria: ACMG Guidelines, 2015. Collection method: clinical testing. Allele origin: de novo. Affected: yes. Observed: 1 variant allele.

Pittsburgh Clinical Genomics Laboratory, University of Pittsburgh Medical Center
Classification: Pathogenic for Developmental and epileptic encephalopathy, 7. Last evaluated: 2023-08-17. Review status: criteria provided, single submitter. Criteria: ACMG Guidelines, 2015. Collection method: clinical testing. Allele origin: germline. Inheritance: Autosomal dominant inheritance. Affected: yes.
Comment: This sequence variant is a single nucleotide substitution (C>T) at position 821 of the coding sequence of the KCNQ2 gene that results in a threonine to methionine amino acid change at residue 274 of the potassium voltage-gated channel subfamily Q member 2 protein. The 274 residue falls in a pore-forming domain (Uniprot) which plays a critical role in the regulation of neurol excitability mediated by KCNQ2. This is a de novo, previously reported variant (ClinVar 167208) that has been observed in the literature in many individuals affected by epileptic seizures (PMID: 2753503, 30776697, 31780880, 34711204). This variant is absent from the gnomAD population database (0 of ~250,000 alleles). Bioinformatic tools predict that this amino acid change would be damaging, and the Thr274 residue is highly conserved across the vertebrate species examined. Studies examining the functiol consequence of this variant confirms a significant reduction in conductance through this voltage-gated potassium channel protein (PMID: 24318194, PMID: 33336127). Based upon the evidence, we consider this variant to be pathogenic. ACMG Criteria: PM1, PM2, PP2, PP3, PS2, PS3, PS4

GeneDx
Classification: Pathogenic. Last evaluated: 2023-07-24. Review status: criteria provided, single submitter. Criteria: GeneDx Variant Classification Process June 2021. Collection method: clinical testing. Allele origin: germline. Affected: yes.
Comment: Published functional studies demonstrate a damaging effect, as current amplitudes of homotetramers and heterotetramers were reduced (Orhan et al., 2014); Not observed in large population cohorts (gnomAD); In silico analysis, which includes protein predictors and evolutionary conservation, supports a deleterious effect; The majority of missense variants in this gene are considered pathogenic (HGMD); This variant is associated with the following publications: (PMID: 22275249, 29056246, 28133863, 27779742, 31273778, 20437616, 27602407, 23692823, 25960349, 28488083, 30776697, 27535030, 31780880, 33041849, 32239694, 33822359, 34055682, 33098118, 31175295, 31440721, 35217970, 24318194)

Institute of Human Genetics Munich, TUM University Hospital
Classification: Pathogenic for Developmental and epileptic encephalopathy, 7. Last evaluated: 2022-06-21. Review status: criteria provided, single submitter. Criteria: Classification criteria August 2017. Collection method: clinical testing. Allele origin: germline. Inheritance: Autosomal dominant inheritance. Affected: yes. Observed: 1 variant allele.

3billion
Classification: Pathogenic for Developmental and epileptic encephalopathy, 7. Last evaluated: 2022-01-03. Review status: criteria provided, single submitter. Criteria: ACMG Guidelines, 2015. Collection method: clinical testing. Allele origin: germline. Affected: yes. Observed: 1 heterozygote.
Comment: The variant has been previously reported as de novo in a similarly affected individual (PMID: 22275249, 27535030, PS2_S). It has been observed in multiple (>3) similarly affected unrelated individuals(PMID: 22275249, 27535030, 27779742, 28133863, PS4_S). Functional studies provide strong evidence of the variant having a damaging effect on the gene or gene product (PMID: 24318194, PS3_S). In silico tool predictions suggest damaging effect of the variant on gene or gene product (REVEL: 0.94, PP3_P). A missense variant is a common mechanism associated with Epileptic encephalopathy (PP2_P). It is not observed in the gnomAD v2.1.1 dataset (PM2_M). The variant is located in a well-established functional domain or exonic hotspot, where pathogenic variants have frequently reported (PM1_M).Therefore, this variant is classified as pathogenic according to the recommendation of ACMG/AMP guideline.

HudsonAlpha Institute for Biotechnology
Classification: Pathogenic for Developmental and epileptic encephalopathy, 7. Last evaluated: 2019-03-19. Review status: criteria provided, single submitter. Criteria: ACMG Guidelines, 2015. Collection method: research. Allele origin: unknown. Affected: yes. Observed: 1 variant allele. Study: HudsonAlpha-AGHI-WGS.

Blueprint Genetics
Classification: Pathogenic for KCNQ2-related disorders. Last evaluated: 2019-03-05. Review status: criteria provided, single submitter. Criteria: ACMG Guidelines, 2015. Collection method: clinical testing. Allele origin: germline. Affected: yes. Observed: 1 variant allele.

Revvity Omics, Revvity
Classification: Pathogenic. Last evaluated: 2019-02-25. Review status: criteria provided, single submitter. Criteria: ACMG Guidelines, 2015. Collection method: clinical testing. Allele origin: germline.

CeGaT Center for Human Genetics Tuebingen
Classification: Pathogenic. Last evaluated: 2018-11-01. Review status: criteria provided, single submitter. Criteria: CeGaT Center For Human Genetics Tuebingen Variant Classification Criteria Version 2. Collection method: clinical testing. Allele origin: germline. Affected: yes. Observed: 3 variant alleles.

Eurofins Ntd Llc (ga)
Classification: Pathogenic. Last evaluated: 2018-04-18. Review status: criteria provided, single submitter. Criteria: EGL ClinVar v180209 classification definitions. Collection method: clinical testing. Allele origin: germline. Observed: 1 variant allele, 1 heterozygote.

Athena Diagnostics
Classification: Pathogenic. Last evaluated: 2018-02-28. Review status: criteria provided, single submitter. Criteria: Athena Diagnostics Criteria. Collection method: clinical testing. Allele origin: germline.

Center of Genomic medicine, Geneva, University Hospital of Geneva
Classification: Pathogenic for Developmental and epileptic encephalopathy, 7. Last evaluated: 2014-08-11. Review status: criteria provided, single submitter. Criteria: MacArthur et al. (Nature 2014). Collection method: clinical testing. Allele origin: de novo. Affected: yes.

Center of Excellence for Medical Genomics, Chulalongkorn University
Classification: Pathogenic for Developmental and epileptic encephalopathy, 7. Last evaluated: 2022-08-19. Review status: no assertion criteria provided. Collection method: research. Allele origin: de novo. Affected: yes. Not counted in ClinVar's aggregate classification.

Center of Excellence for Medical Genomics, Chulalongkorn University
Classification: Pathogenic for Seizures, benign familial neonatal, 1. Last evaluated: 2002-09-08. Review status: no assertion criteria provided. Collection method: research. Allele origin: de novo. Affected: yes. Not counted in ClinVar's aggregate classification.